The following is an entry in ClinVar:

NM_000138.5(FBN1):c.1328-12A>G

Gene: FBN1 (fibrillin 1; minus strand). Cytogenetic location: 15q21.1.
Variant type: single nucleotide variant.
Coding change: c.1328-12A>G on transcript NM_000138.5 (MANE Select); 12 bases into the intron before coding-DNA position 1328, A replaced by G.
Molecular consequence: intron variant.
Genome position (GRCh38, 1-based): chr15:48,515,539, T>C on the plus strand (A>G on the coding strand, the complement: FBN1 is on the minus strand). VCF-style: chr15-48515539-T-C. GRCh37 (hg19) VCF-style: chr15-48807736-T-C.
Other names: c.1328-12A>G (NM_001406716.1).
Identifiers: ClinVar variation 5008727 (VCV005008727.1).

ClinVar aggregate classification (germline): Uncertain significance (1 of 4 stars; one submission).

gnomAD v4.1: 1 of 1,613,768 alleles (0.000062%); highest among the groups gnomAD compares: Non-Finnish European, 0.000085%; no homozygotes.

Submission:

GeneDx
Classification: Uncertain significance. Last evaluated: 2026-03-06. Review status: criteria provided, single submitter. Criteria: GeneDx Variant Classification Process June 2021. Collection method: clinical testing. Allele origin: germline.
Comment: Not observed at significant frequency in large population cohorts (gnomAD); In silico analysis supports a deleterious effect on splicing; Has not been previously published as pathogenic or benign to our knowledge